The following is an entry in ClinVar:

NM_000256.3(MYBPC3):c.75C>T (p.Ser25=)

Gene: MYBPC3 (myosin binding protein C3; minus strand). Cytogenetic location: 11p11.2.
Variant type: single nucleotide variant.
Coding change: c.75C>T on transcript NM_000256.3 (MANE Select); coding-DNA position 75, C replaced by T.
Protein change: p.Ser25=; no amino-acid change (serine 25 retained).
Molecular consequence: synonymous variant.
Genome position (GRCh38, 1-based): chr11:47,351,456, G>A on the plus strand (C>T on the coding strand, the complement: MYBPC3 is on the minus strand). VCF-style: chr11-47351456-G-A. GRCh37 (hg19) VCF-style: chr11-47373007-G-A.
Identifiers: ClinVar variation 1172440 (VCV001172440.17), dbSNP rs1368122828, ClinGen allele CA474429865.

ClinVar aggregate classification (germline): Likely benign. Review status: criteria provided, multiple submitters, no conflicts (2 of 4 stars). 5 submissions from 5 submitters: Likely benign (5). Last evaluated 2025-10-27.

Conditions:
Cardiovascular phenotype. Identifiers: MedGen CN230736.
Cardiomyopathy (CMYO). Also called: Cardiomyopathies. Identifiers: Orphanet 167848, MedGen C0878544, MONDO:0004994, HP:0001638. Inheritance: Various modes of inheritance.
Hypertrophic cardiomyopathy. Also called: HYPERTROPHIC MYOCARDIOPATHY. Identifiers: Orphanet 217569, MedGen C0007194, MeSH D002312, MONDO:0005045, HP:0001639.

Allele frequency attached by ClinVar (database versions not stated): gnomAD exomes 0.00001; TOPMed 0.00001; gnomAD 0.00002.

Submissions (5):

Labcorp Genetics (formerly Invitae), Labcorp
Classification: Likely benign for Hypertrophic cardiomyopathy. Last evaluated: 2025-10-27. Review status: criteria provided, single submitter. Criteria: Invitae Variant Classification Sherloc (09022015). Collection method: clinical testing. Allele origin: germline.

All of Us Research Program, National Institutes of Health
Classification: Likely benign for Hypertrophic cardiomyopathy. Last evaluated: 2024-06-11. Review status: criteria provided, single submitter. Criteria: ACMG Guidelines, 2015. Collection method: clinical testing. Allele origin: germline. Inheritance: Autosomal dominant inheritance. Observed: 4 variant alleles, 4 heterozygotes.
Comment: This study involves interpretation of variants in research participants for the purpose of population health screening. Participant phenotype was not available at the time of variant classification. Additional details can be found in publication PMID: 35346344, PMCID: PMC8962531

Color Diagnostics, LLC DBA Color Health
Classification: Likely benign for Cardiomyopathy. Last evaluated: 2024-04-05. Review status: criteria provided, single submitter. Criteria: ACMG Guidelines, 2015. Collection method: clinical testing. Allele origin: germline.

Ambry Genetics
Classification: Likely benign for Cardiovascular phenotype. Last evaluated: 2022-10-14. Review status: criteria provided, single submitter. Criteria: Ambry Variant Classification Scheme 2023. Collection method: clinical testing. Allele origin: germline.

CHEO Genetics Diagnostic Laboratory, Children's Hospital of Eastern Ontario
Classification: Likely benign for Cardiomyopathy. Last evaluated: 2021-07-14. Review status: criteria provided, single submitter. Criteria: ACMG Guidelines, 2015. Collection method: clinical testing. Allele origin: germline.